The following is an entry in ClinVar:

NM_005445.4(SMC3):c.3070C>G (p.Arg1024Gly)

Gene: SMC3 (structural maintenance of chromosomes 3; plus strand). Cytogenetic location: 10q25.2.
Variant type: single nucleotide variant.
Coding change: c.3070C>G on transcript NM_005445.4 (MANE Select); coding-DNA position 3070, C replaced by G.
Protein change: p.Arg1024Gly; replaces arginine 1024 with glycine.
Molecular consequence: missense variant.
Genome position (GRCh38, 1-based): chr10:110,602,143, C>G. VCF-style: chr10-110602143-C-G. GRCh37 (hg19) VCF-style: chr10-112361901-C-G.
Other names: short protein forms R1024G.
Identifiers: ClinVar variation 3899621 (VCV003899621.1).
Genomic context (GRCh38, chr10:110,602,143, plus strand): 5'-CAAGAAGAGTTAGATAGGGGTTACAAATCAATCATGGAACTGATGAATGTACTTGAACTT[C>G]GGAAATATGAAGCTATTCAGTTAACTTTCAAACAGGTATGTTTCGCTTTGTAGTTAAAAC-3'
Protein context (NP_005436.1, residues 1014-1034): IMELMNVLEL[Arg1024Gly]KYEAIQLTFK

ClinVar aggregate classification (germline): Uncertain significance (1 of 4 stars; one submission).

Submission:

GeneDx
Classification: Uncertain significance. Last evaluated: 2024-11-13. Review status: criteria provided, single submitter. Criteria: GeneDx Variant Classification Process June 2021. Collection method: clinical testing. Allele origin: germline. Affected: yes.
Comment: Not observed at significant frequency in large population cohorts (gnomAD); In silico analysis supports that this missense variant has a deleterious effect on protein structure/function; Has not been previously published as pathogenic or benign to our knowledge